The following is an entry in ClinVar:

ClinVar aggregate classification (germline): Uncertain significance. Review status: criteria provided, multiple submitters, no conflicts (2 of 4 stars). 3 submissions from 3 submitters: Uncertain significance (2). 1 of the submissions does not count toward it. Last evaluated 2025-03-22.

Conditions:
WDPCP-related disorder. Also called: WDPCP-related condition.
Inborn genetic diseases. Identifiers: MedGen C0950123, MeSH D030342.
Bardet-Biedl syndrome (BBS). Identifiers: Orphanet 110, MedGen C0752166, MONDO:0015229.

Allele frequency attached by ClinVar (database versions not stated): TOPMed 0.00001; gnomAD exomes 0.00004.
gnomAD v4.1: 60 of 1,577,546 alleles (0.0038%); highest among the groups gnomAD compares: Non-Finnish European, 0.005%; no homozygotes.

Submissions (3):

Ambry Genetics
Classification: Uncertain significance for Inborn genetic diseases. Last evaluated: 2025-03-22. Review status: criteria provided, single submitter. Criteria: Ambry Variant Classification Scheme 2023. Collection method: clinical testing. Allele origin: germline.

Labcorp Genetics (formerly Invitae), Labcorp
Classification: Uncertain significance for Bardet-Biedl syndrome. Last evaluated: 2022-07-18. Review status: criteria provided, single submitter. Criteria: Invitae Variant Classification Sherloc (09022015). Collection method: clinical testing. Allele origin: germline.
Comment: In summary, the available evidence is currently insufficient to determine the role of this variant in disease. Therefore, it has been classified as a Variant of Uncertain Significance. Algorithms developed to predict the effect of missense changes on protein structure and function (SIFT, PolyPhen-2, Align-GVGD) all suggest that this variant is likely to be disruptive. This variant has not been reported in the literature in individuals affected with WDPCP-related conditions. The frequency data for this variant in the population databases is considered unreliable, as metrics indicate poor data quality at this position in the gnomAD database. This sequence change replaces leucine, which is neutral and non-polar, with serine, which is neutral and polar, at codon 76 of the WDPCP protein (p.Leu76Ser).

PreventionGenetics, part of Exact Sciences
Classification: Uncertain significance for WDPCP-related condition. Last evaluated: 2024-08-21. Review status: no assertion criteria provided. Collection method: clinical testing. Allele origin: germline. Not counted in ClinVar's aggregate classification.
Comment: The WDPCP c.227T>C variant is predicted to result in the amino acid substitution p.Leu76Ser. To our knowledge, this variant has not been reported in the literature. This variant is reported in 0.0024% of alleles in individuals of European (non-Finnish) descent in gnomAD. At this time, the clinical significance of this variant is uncertain due to the absence of conclusive functional and genetic evidence.

NM_015910.7(WDPCP):c.227T>C (p.Leu76Ser)

Gene: WDPCP (WD repeat containing planar cell polarity effector; minus strand). Cytogenetic location: 2p15.
Variant type: single nucleotide variant.
Coding change: c.227T>C on transcript NM_015910.7 (MANE Select); coding-DNA position 227, T replaced by C.
Protein change: p.Leu76Ser; replaces leucine 76 with serine.
Molecular consequence: missense variant. On other transcripts: non-coding transcript variant (2).
Genome position (GRCh38, 1-based): chr2:63,486,568, A>G on the plus strand (T>C on the coding strand, the complement: WDPCP is on the minus strand). VCF-style: chr2-63486568-A-G. GRCh37 (hg19) VCF-style: chr2-63713702-A-G.
Other names: c.155T>C, p.Leu52Ser (NM_001354044.2); c.227T>C, p.Leu76Ser (NM_001354045.2); c.227T>C (NM_015910.5); short protein forms L52S, L76S.
Identifiers: ClinVar variation 2176946 (VCV002176946.6), dbSNP rs1196288563, ClinGen allele CA347066127.
Genomic context (GRCh38, chr2:63,486,568, plus strand): 5'-TATAATAATTCCAAAAAATATAAAGTAAGCTTACACTCTGCCAGCTTCTGCTTCTTTTCT[A>G]AGTTACCATGCTCTGTCGCTGATATTGTGGCAGAAGGGATAGAAAGAAAAAAACAAAAGT-3'
Protein context (NP_056994.3, residues 66-86): KDPPATEHGN[Leu76Ser]EKKQKLAESR